The following is an entry in ClinVar:

NM_000312.4(PROC):c.902C>T (p.Ala301Val)

Gene: PROC (protein C, inactivator of coagulation factors Va and VIIIa; plus strand). Cytogenetic location: 2q14.3.
Variant type: single nucleotide variant.
Coding change: c.902C>T on transcript NM_000312.4 (MANE Select); coding-DNA position 902, C replaced by T.
Protein change: p.Ala301Val; replaces alanine 301 with valine.
Molecular consequence: missense variant.
Genome position (GRCh38, 1-based): chr2:127,428,462, C>T. VCF-style: chr2-127428462-C-T. GRCh37 (hg19) VCF-style: chr2-128186038-C-T.
Other names: A259V; c.902C>T (NM_000312.3); c.965C>T, p.Ala322Val (NM_001375604.1); c.1004C>T, p.Ala335Val (NM_001375605.1); c.1070C>T, p.Ala357Val (NM_001375606.1); c.1088C>T, p.Ala363Val (NM_001375607.1); c.845C>T, p.Ala282Val (NM_001375608.1); c.878C>T, p.Ala293Val (NM_001375609.1); and 4 more; short protein forms A301V, A282V, A293V, A299V, A322V, A335V, A356V, A357V.
Identifiers: ClinVar variation 660 (VCV000000660.3), dbSNP rs121918144, ClinGen allele CA114391.

ClinVar aggregate classification (germline): Likely pathogenic. Review status: criteria provided, single submitter (1 of 4 stars). 2 submissions from 2 submitters: Likely pathogenic (1). 1 of the submissions does not count toward it. Last evaluated 2026-05-30.

Conditions:
Thrombophilia due to protein C deficiency, autosomal recessive. Also called: PROC DEFICIENCY, AUTOSOMAL RECESSIVE; PROTEIN C DEFICIENCY, AUTOSOMAL RECESSIVE. Identifiers: Orphanet 745, MedGen C2676759, MONDO:0012860, OMIM 612304.

Allele frequency attached by ClinVar (database versions not stated): gnomAD exomes 0.00001.

Submissions (2):

GeneDx
Classification: Likely pathogenic. Last evaluated: 2026-05-30. Review status: criteria provided, single submitter. Criteria: GeneDx Variant Classification Process June 2021. Collection method: clinical testing. Allele origin: germline.
Comment: In silico analysis supports that this missense variant has a deleterious effect on protein structure/function; Not observed at significant frequency in large population cohorts (gnomAD); This variant is associated with the following publications: (PMID: 1678832, 40209762, 1348046, Jemmieh_2025_Abstract)

OMIM
Classification: Pathogenic for THROMBOPHILIA DUE TO PROTEIN C DEFICIENCY, AUTOSOMAL RECESSIVE. Last evaluated: 1992-03-01. Review status: no assertion criteria provided. Collection method: literature only. Allele origin: germline. Not counted in ClinVar's aggregate classification.

Literature cited by the submitters: PubMed 1348046 (cited by OMIM).